The following is an entry in ClinVar:

NM_001943.5(DSG2):c.3293C>G (p.Ser1098Cys)

Genes: DSG2 (desmoglein 2; plus strand), DSG2-AS1 (DSG2 antisense RNA 1; minus strand). Cytogenetic location: 18q12.1.
Variant type: single nucleotide variant.
Coding change: c.3293C>G on transcript NM_001943.5 (MANE Select); coding-DNA position 3293, C replaced by G.
Protein change: p.Ser1098Cys; replaces serine 1098 with cysteine.
Molecular consequence: missense variant.
Genome position (GRCh38, 1-based): chr18:31,546,679, C>G. VCF-style: chr18-31546679-C-G. GRCh37 (hg19) VCF-style: chr18-29126642-C-G.
Other names: short protein forms S1098C.
Identifiers: ClinVar variation 191633 (VCV000191633.21), dbSNP rs2848673, ClinGen allele CA022057.

ClinVar aggregate classification (germline): Conflicting classifications of pathogenicity. Review status: criteria provided, conflicting classifications (1 of 4 stars). 7 submissions from 7 submitters: Uncertain significance (6); Likely benign (1). Last evaluated 2024-05-19.

Conditions:
Cardiovascular phenotype. Identifiers: MedGen CN230736.
Arrhythmogenic right ventricular cardiomyopathy (ARVD). Also called: Arrhythmogenic cardiomyopathy; Arrhythmogenic Right Ventricular Cardiomyopathy (ARVC); Cardiomyopathy, ARVC; Arrhythmogenic right ventricular dysplasia. Identifiers: Orphanet 247, MedGen C0349788, MeSH D019571, MONDO:0016587. Disease mechanism: loss of function. Inheritance: Various modes of inheritance.
Cardiomyopathy (CMYO). Also called: Cardiomyopathies. Identifiers: Orphanet 167848, MedGen C0878544, MONDO:0004994, HP:0001638. Inheritance: Various modes of inheritance.
Arrhythmogenic right ventricular dysplasia 10. Also called: Arrhythmogenic right ventricular dysplasia/cardiomyopathy, type 10; Arrhythmogenic Right Ventricular Dysplasia/Cardiomyopathy10; ARRHYTHMOGENIC RIGHT VENTRICULAR DYSPLASIA, FAMILIAL, 10. Identifiers: MedGen C1857777, MONDO:0012434, OMIM 610193.

Allele frequency attached by ClinVar (database versions not stated): gnomAD exomes 0.00001 and 0.00003; ExAC 0.00003; gnomAD 0.00003 and 0.00004; TOPMed 0.00003.
gnomAD v4.1: 22 of 1,614,078 alleles (0.0014%); no homozygotes.

Submissions (7):

Labcorp Genetics (formerly Invitae), Labcorp
Classification: Likely benign for Arrhythmogenic right ventricular dysplasia 10. Last evaluated: 2024-05-19. Review status: criteria provided, single submitter. Criteria: Invitae Variant Classification Sherloc (09022015). Collection method: clinical testing. Allele origin: germline.

All of Us Research Program, National Institutes of Health
Classification: Uncertain significance for Arrhythmogenic right ventricular cardiomyopathy. Last evaluated: 2024-05-14. Review status: criteria provided, single submitter. Criteria: ACMG Guidelines, 2015. Collection method: clinical testing. Allele origin: germline. Inheritance: Autosomal dominant inheritance. Observed: 6 variant alleles, 6 heterozygotes.
Comment: This missense variant replaces serine with cysteine at codon 1098 of the DSG2 protein. Computational prediction suggests that this variant may not impact protein structure and function (internally defined REVEL score threshold <= 0.5, PMID: 27666373). To our knowledge, functional studies have not been reported for this variant. This variant has been reported in an individual affected with arrhythmogenic right ventricular cardiomyopathy (PMID: 20031617). This variant has been identified in 8/249178 chromosomes in the general population by the Genome Aggregation Database (gnomAD). The available evidence is insufficient to determine the role of this variant in disease conclusively. Therefore, this variant is classified as a Variant of Uncertain Significance.

This study involves interpretation of variants in research participants for the purpose of population health screening. Participant phenotype was not available at the time of variant classification. Additional details can be found in publication PMID: 35346344, PMCID: PMC8962531

Color Diagnostics, LLC DBA Color Health
Classification: Uncertain significance for Cardiomyopathy. Last evaluated: 2024-04-01. Review status: criteria provided, single submitter. Criteria: ACMG Guidelines, 2015. Collection method: clinical testing. Allele origin: germline.
Comment: This missense variant replaces serine with cysteine at codon 1098 of the DSG2 protein. Computational prediction suggests that this variant may not impact protein structure and function (internally defined REVEL score threshold <= 0.5, PMID: 27666373). To our knowledge, functional studies have not been reported for this variant. This variant has been reported in an individual affected with arrhythmogenic right ventricular cardiomyopathy (PMID: 20031617). This variant has been identified in 8/249178 chromosomes in the general population by the Genome Aggregation Database (gnomAD). The available evidence is insufficient to determine the role of this variant in disease conclusively. Therefore, this variant is classified as a Variant of Uncertain Significance.

Ambry Genetics
Classification: Uncertain significance for Cardiovascular phenotype. Last evaluated: 2021-07-23. Review status: criteria provided, single submitter. Criteria: Ambry Variant Classification Scheme 2023. Collection method: clinical testing. Allele origin: germline.
Comment: The p.S1098C variant (also known as c.3293C>G), located in coding exon 15 of the DSG2 gene, results from a C to G substitution at nucleotide position 3293. The serine at codon 1098 is replaced by cysteine, an amino acid with dissimilar properties. This alteration has been reported as a secondary cardiac variant in an exome cohort; however, clinical details are limited (Ng D et al. Circ Cardiovasc Genet, 2013 Aug;6:337-46). This amino acid position is not well conserved in available vertebrate species, and cysteine is the reference amino acid in other vertebrate species. In addition, this alteration is predicted to be tolerated by in silico analysis. Since supporting evidence is limited at this time, the clinical significance of this alteration remains unclear.

GeneDx
Classification: Uncertain significance. Last evaluated: 2021-03-26. Review status: criteria provided, single submitter. Criteria: GeneDx Variant Classification Process June 2021. Collection method: clinical testing. Allele origin: germline. Affected: yes.
Comment: Reported in a study that explored ARVC variants in North Americans, however, the authors excluded the S1098C variant, presumably due to its presence in control populations (denHaan et al., 2009); In silico analysis supports that this missense variant does not alter protein structure/function; Reported in ClinVar as a variant of uncertain significance by several clinical laboratories (ClinVar Variant ID#191633; Landrum et al., 2016); This variant is associated with the following publications: (PMID: 20031617)

Laboratory for Molecular Medicine, Mass General Brigham Personalized Medicine
Classification: Uncertain significance. Last evaluated: 2015-03-11. Review status: criteria provided, single submitter. Criteria: LMM Criteria. Collection method: clinical testing. Allele origin: germline. Observed: 1 variant allele.
Comment: The p.Ser1098Cys variant in DSG2 has been reported at least 1 individual with AR VC or suspected ARVC (den Haan 2009), but has also been identified in 4/66638 Eu ropean chromosomes by the Exome Aggregation Consortium (ExAC; dbSNP rs2848673). Serine at position 1098 is not conserved in evol ution and 2 mammalian species (bats) carry a cystine (Cys) at this position, rai sing the possibility that this change is tolerated. In summary, the clinical sig nificance of the p.Ser1098Cys variant is uncertain.

Biesecker Lab/Clinical Genomics Section, National Institutes of Health
Classification: Uncertain significance. Last evaluated: 2013-06-24. Review status: criteria provided, single submitter. Criteria: Ng et al. (Circ Cardiovasc Genet. 2013). Collection method: research. Allele origin: unknown. Observed: 1 variant allele. Study: ClinSeq.
Comment: The study set was not selected for affection status in relation to any cancer. Pathogenicity categories were based on literature curation. See Pubmed ID:23861362 for details.

Medical sequencing

Literature cited by the submitters: PubMed 20031617 (cited by 3 submitters); PubMed 23861362 (cited by Ambry Genetics).